The following is an entry in ClinVar:

ClinVar aggregate classification (germline): Benign/Likely benign. Review status: criteria provided, multiple submitters, no conflicts (2 of 4 stars). 6 submissions from 6 submitters: Benign (1); Likely benign (4). 1 of the submissions does not count toward it. Last evaluated 2024-11-20.

Conditions:
CUL4B-related disorder. Also called: CUL4B-related condition.
Inborn genetic diseases. Identifiers: MedGen C0950123, MeSH D030342.
X-linked intellectual disability Cabezas type (MRXSC). Also called: CABEZAS SYNDROME; MENTAL RETARDATION, X-LINKED, SYNDROMIC 15; Intellectual developmental disorder, X-linked syndromic, Cabezas type. Identifiers: Orphanet 85289, Orphanet 85293, MedGen C1845861, MONDO:0010306, OMIM 300354.

Allele frequency attached by ClinVar (database versions not stated): gnomAD 0.00001 and 0.00004; gnomAD exomes 0.00007 and 0.00006; TOPMed 0.00001; ExAC 0.00008.
gnomAD v4.1: 62 of 1,151,833 alleles (0.0054%); highest among the groups gnomAD compares: Middle Eastern, 0.4%; 1 homozygote.

Submissions (6):

Blueprint Genetics
Classification: Likely benign. Last evaluated: 2024-11-20. Review status: criteria provided, single submitter. Criteria: ACMG Guidelines, 2015. Collection method: clinical testing. Allele origin: germline.

Labcorp Genetics (formerly Invitae), Labcorp
Classification: Benign for X-linked intellectual disability Cabezas type. Last evaluated: 2023-09-26. Review status: criteria provided, single submitter. Criteria: Invitae Variant Classification Sherloc (09022015). Collection method: clinical testing. Allele origin: germline.

Ambry Genetics
Classification: Likely benign for Inborn genetic diseases. Last evaluated: 2022-04-18. Review status: criteria provided, single submitter. Criteria: Ambry Variant Classification Scheme 2023. Collection method: clinical testing. Allele origin: germline.

GeneDx
Classification: Likely benign. Last evaluated: 2017-05-18. Review status: criteria provided, single submitter. Criteria: GeneDx Variant Classification (06012015). Collection method: clinical testing. Allele origin: germline. Affected: yes.
Comment: This variant is considered likely benign or benign based on one or more of the following criteria: it is a conservative change, it occurs at a poorly conserved position in the protein, it is predicted to be benign by multiple in silico algorithms, and/or has population frequency not consistent with disease.

Breakthrough Genomics
Classification: Likely benign. Review status: criteria provided, single submitter. Criteria: ACMG Guidelines, 2015. Collection method: not provided. Allele origin: germline. Inheritance: X-linked inheritance. Affected: yes.

PreventionGenetics, part of Exact Sciences
Classification: Likely benign for CUL4B-related condition. Last evaluated: 2019-04-18. Review status: no assertion criteria provided. Collection method: clinical testing. Allele origin: germline. Not counted in ClinVar's aggregate classification.
Comment: This variant is classified as likely benign based on ACMG/AMP sequence variant interpretation guidelines (Richards et al. 2015 PMID: 25741868, with internal and published modifications).

NM_001079872.2(CUL4B):c.2266+4T>A

Gene: CUL4B (cullin 4B; minus strand). Cytogenetic location: Xq24.
Variant type: single nucleotide variant.
Coding change: c.2266+4T>A on transcript NM_001079872.2 (MANE Select); 4 bases into the intron after coding-DNA position 2266, T replaced by A.
Molecular consequence: intron variant.
Genome position (GRCh38, 1-based): chrX:120,534,477, A>T on the plus strand (T>A on the coding strand, the complement: CUL4B is on the minus strand). VCF-style: chrX-120534477-A-T. GRCh37 (hg19) VCF-style: chrX-119668332-A-T.
Other names: c.2320+4T>A (NM_003588.4); c.2281+4T>A (NM_001330624.2); c.1732+4T>A (NM_001369145.1).
Identifiers: ClinVar variation 509941 (VCV000509941.9), dbSNP rs747816205, ClinGen allele CA10505431.
Genomic context (GRCh38, chrX:120,534,477, plus strand): 5'-ATGTCCCCCAGACCTCTTAACATAGTGGTGTGCACATAGTGAACAATTAATGTTTGCTAC[A>T]AACCTATTCCAGTTGCCTGCTTGATCTCTTCTAAACTGAACTCCTCTCCCTCATTAAACA-3'